The following is an entry in ClinVar:

ClinVar aggregate classification (germline): Uncertain significance (1 of 4 stars; one submission).

Allele frequency attached by ClinVar (database versions not stated): gnomAD exomes below 0.00001; TOPMed 0.00001.
gnomAD v4.1: 2 of 1,613,888 alleles (0.00012%); highest among the groups gnomAD compares: East Asian, 0.0022%; no homozygotes.

Submission:

Labcorp Genetics (formerly Invitae), Labcorp
Classification: Uncertain significance. Last evaluated: 2023-02-14. Review status: criteria provided, single submitter. Criteria: Invitae Variant Classification Sherloc (09022015). Collection method: clinical testing. Allele origin: germline.
Comment: In summary, the available evidence is currently insufficient to determine the role of this variant in disease. Therefore, it has been classified as a Variant of Uncertain Significance. This sequence change replaces isoleucine, which is neutral and non-polar, with threonine, which is neutral and polar, at codon 374 of the FBXO11 protein (p.Ile374Thr). This variant is not present in population databases (gnomAD no frequency). This variant has not been reported in the literature in individuals affected with FBXO11-related conditions. Algorithms developed to predict the effect of missense changes on protein structure and function are either unavailable or do not agree on the potential impact of this missense change (SIFT: "Deleterious"; PolyPhen-2: "Benign"; Align-GVGD: "Class C0").

NM_001190274.2(FBXO11):c.1121T>C (p.Ile374Thr)

Gene: FBXO11 (F-box protein 11; minus strand). Cytogenetic location: 2p16.3.
Variant type: single nucleotide variant.
Coding change: c.1121T>C on transcript NM_001190274.2 (MANE Select); coding-DNA position 1121, T replaced by C.
Protein change: p.Ile374Thr; replaces isoleucine 374 with threonine.
Molecular consequence: missense variant.
Genome position (GRCh38, 1-based): chr2:47,832,801, A>G on the plus strand (T>C on the coding strand, the complement: FBXO11 is on the minus strand). VCF-style: chr2-47832801-A-G. GRCh37 (hg19) VCF-style: chr2-48059940-A-G.
Other names: c.869T>C, p.Ile290Thr (NM_001374325.1, NM_025133.4); short protein forms I290T, I374T.
Identifiers: ClinVar variation 2836846 (VCV002836846.3), dbSNP rs901488680, ClinGen allele CA46743106.